The following is an entry in ClinVar:

ClinVar aggregate classification (germline): Uncertain significance (1 of 4 stars; one submission).

Conditions:
Acromesomelic dysplasia 1, Maroteaux type (AMD1). Also called: ST. HELENA DYSPLASIA; ACROMESOMELIC DYSPLASIA 1. Identifiers: Orphanet 40, MedGen C1864356, MONDO:0011275, OMIM 602875.
Tall stature-scoliosis-macrodactyly of the great toes syndrome. Also called: Epiphyseal chondrodysplasia, miura type. Identifiers: Orphanet 329191, MedGen C4014690, MONDO:0014401, OMIM 615923.

gnomAD v4.1: 1 of 1,603,928 alleles (0.000062%); highest among the groups gnomAD compares: South Asian, 0.0011%; no homozygotes.

Submission:

Labcorp Genetics (formerly Invitae), Labcorp
Classification: Uncertain significance for Tall stature-scoliosis-macrodactyly of the great toes syndrome; Acromesomelic dysplasia 1, Maroteaux type. Last evaluated: 2024-06-17. Review status: criteria provided, single submitter. Criteria: Invitae Variant Classification Sherloc (09022015). Collection method: clinical testing. Allele origin: germline.
Comment: This sequence change replaces glutamine, which is neutral and polar, with arginine, which is basic and polar, at codon 563 of the NPR2 protein (p.Gln563Arg). This variant is not present in population databases (gnomAD no frequency). This variant has not been reported in the literature in individuals affected with NPR2-related conditions. Advanced modeling of protein sequence and biophysical properties (such as structural, functional, and spatial information, amino acid conservation, physicochemical variation, residue mobility, and thermodynamic stability) performed at Invitae indicates that this missense variant is not expected to disrupt NPR2 protein function with a negative predictive value of 80%. In summary, the available evidence is currently insufficient to determine the role of this variant in disease. Therefore, it has been classified as a Variant of Uncertain Significance.

NM_003995.4(NPR2):c.1688A>G (p.Gln563Arg)

Gene: NPR2 (natriuretic peptide receptor 2; plus strand). Cytogenetic location: 9p13.3.
Variant type: single nucleotide variant.
Coding change: c.1688A>G on transcript NM_003995.4 (MANE Select); coding-DNA position 1688, A replaced by G.
Protein change: p.Gln563Arg; replaces glutamine 563 with arginine.
Molecular consequence: missense variant.
Genome position (GRCh38, 1-based): chr9:35,802,261, A>G. VCF-style: chr9-35802261-A-G. GRCh37 (hg19) VCF-style: chr9-35802258-A-G.
Other names: c.1697A>G, p.Gln566Arg (NM_001378923.1); short protein forms Q563R, Q566R.
Identifiers: ClinVar variation 3763293 (VCV003763293.2).